The following is an entry in ClinVar:

ClinVar aggregate classification (germline): Uncertain significance (1 of 4 stars; one submission).

Submission:

Women's Health and Genetics/Laboratory Corporation of America, LabCorp
Classification: Uncertain significance. Last evaluated: 2024-04-24. Review status: criteria provided, single submitter. Criteria: LabCorp Variant Classification Summary - May 2015. Collection method: clinical testing. Allele origin: germline.
Comment: Variant summary: P3H1 c.35T>G (p.Leu12Arg) results in a non-conservative amino acid change in the encoded protein sequence. Four of five in-silico tools predict a benign effect of the variant on protein function. The variant was absent in 236562 control chromosomes. The available data on variant occurrences in the general population are insufficient to allow any conclusion about variant significance. c.35T>G has been reported in the literature in an individual affected with Osteogenesis Imperfecta (example: Caudevilla_2019, Bala_2021). To our knowledge, no experimental evidence demonstrating its impact on protein function have been reported. The following publications have been ascertained in the context of this evaluation (PMID: 34637196, 30389107). No submitters have cited clinical-significance assessments for this variant to ClinVar. Based on the evidence outlined above, the variant was classified as uncertain significance.

Literature cited by the submitters: PubMed 34637196; PubMed 30389107.

NM_022356.4(P3H1):c.35T>G (p.Leu12Arg)

Gene: P3H1 (prolyl 3-hydroxylase 1; minus strand). Cytogenetic location: 1p34.2.
Variant type: single nucleotide variant.
Coding change: c.35T>G on transcript NM_022356.4 (MANE Select); coding-DNA position 35, T replaced by G.
Protein change: p.Leu12Arg; replaces leucine 12 with arginine.
Molecular consequence: missense variant.
Genome position (GRCh38, 1-based): chr1:42,766,937, A>C on the plus strand (T>G on the coding strand, the complement: P3H1 is on the minus strand). VCF-style: chr1-42766937-A-C. GRCh37 (hg19) VCF-style: chr1-43232608-A-C.
Other names: c.35T>G, p.Leu12Arg (NM_001146289.2, NM_001243246.2); short protein forms L12R.
Identifiers: ClinVar variation 3251738 (VCV003251738.1), dbSNP rs2524517221.